The following is an entry in ClinVar:

NM_004364.5(CEBPA):c.207C>G (p.Asp69Glu)

Gene: CEBPA (CCAAT enhancer binding protein alpha; minus strand). Cytogenetic location: 19q13.11.
Variant type: single nucleotide variant.
Coding change: c.207C>G on transcript NM_004364.5 (MANE Select); coding-DNA position 207, C replaced by G.
Protein change: p.Asp69Glu; replaces aspartic acid 69 with glutamic acid.
Molecular consequence: missense variant. On other transcripts: 5 prime UTR variant (1).
Genome position (GRCh38, 1-based): chr19:33,302,208, G>C on the plus strand (C>G on the coding strand, the complement: CEBPA is on the minus strand). VCF-style: chr19-33302208-G-C. GRCh37 (hg19) VCF-style: chr19-33793114-G-C.
Other names: c.-151C>G (NM_001285829.2); c.312C>G, p.Asp104Glu (NM_001287424.2); c.165C>G, p.Asp55Glu (NM_001287435.2); short protein forms D55E, D69E, D104E.
Identifiers: ClinVar variation 2093762 (VCV002093762.4), dbSNP rs2513332670, ClinGen allele CA405275446.

ClinVar aggregate classification (germline): Uncertain significance (1 of 4 stars; one submission).

Conditions:
Acute myeloid leukemia (AML). Also called: Acute myeloid leukemia, adult; AML adult; Acute non-lymphocytic leukemia; Acute granulocytic leukemia; Leukemia, acute myeloid, somatic; Leukemia, acute myelogenous, somatic. Identifiers: Orphanet 519, MedGen C0023467, MeSH D015470, MONDO:0018874, OMIM 601626, HP:0004808. Disease mechanism: Constitutively activated FLT3.

Submission:

Labcorp Genetics (formerly Invitae), Labcorp
Classification: Uncertain significance for Acute myeloid leukemia. Last evaluated: 2022-02-06. Review status: criteria provided, single submitter. Criteria: Invitae Variant Classification Sherloc (09022015). Collection method: clinical testing. Allele origin: germline.
Comment: This sequence change replaces aspartic acid, which is acidic and polar, with glutamic acid, which is acidic and polar, at codon 69 of the CEBPA protein (p.Asp69Glu). This variant is not present in population databases (gnomAD no frequency). This variant has not been reported in the literature in individuals affected with CEBPA-related conditions. Algorithms developed to predict the effect of missense changes on protein structure and function are either unavailable or do not agree on the potential impact of this missense change (SIFT: "Deleterious"; PolyPhen-2: "Possibly Damaging"; Align-GVGD: "Class C0"). In summary, the available evidence is currently insufficient to determine the role of this variant in disease. Therefore, it has been classified as a Variant of Uncertain Significance.